The following is an entry in ClinVar:

ClinVar aggregate classification (germline): Pathogenic (1 of 4 stars; one submission).

Conditions:
Hereditary cancer-predisposing syndrome. Also called: Neoplastic Syndromes, Hereditary; Tumor predisposition; Hereditary neoplastic syndrome; Hereditary Cancer Syndrome. Identifiers: Orphanet 140162, MedGen C0027672, MeSH D009386, MONDO:0015356.

Submission:

Ambry Genetics
Classification: Pathogenic for Hereditary cancer-predisposing syndrome. Last evaluated: 2026-08-19. Review status: criteria provided, single submitter. Criteria: Ambry Variant Classification Scheme 2023. Collection method: clinical testing. Allele origin: germline.
Comment: The c.408_411delGAAA pathogenic mutation, located in coding exon 5 of the CDC73 gene, results from a deletion of 4 nucleotides at nucleotide positions 408 to 411, causing a translational frameshift with a predicted alternate stop codon (p.K136Nfs*65). This variant is considered to be rare based on population cohorts in the Genome Aggregation Database (gnomAD). This alteration is expected to result in loss of function by premature protein truncation or nonsense-mediated mRNA decay. As such, this alteration is interpreted as a disease-causing mutation.

NM_024529.5(CDC73):c.408_411del (p.Lys136fs)

Gene: CDC73 (cell division cycle 73; plus strand). Cytogenetic location: 1q31.2.
Variant type: Deletion.
Coding change: c.408_411del on transcript NM_024529.5 (MANE Select); coding-DNA positions 408 to 411, 4 bases deleted (GAAA; older notation c.408_411delGAAA).
Protein change: p.Lys136fs; shifts the reading frame from lysine 136.
Molecular consequence: frameshift variant.
Genome position (GRCh38, 1-based): chr1:193,135,574-193,135,577, GAAA deleted; deleting any 4 consecutive bases within chr1:193,135,571-193,135,577 gives the same sequence; the c. name uses the placement nearest the transcript's 3' end. VCF-style (leftmost placement, unchanged base first): chr1-193135570-CAAAG-C. GRCh37 (hg19) VCF-style: chr1-193104700-CAAAG-C.
Other names: short protein forms K136fs.
Identifiers: ClinVar variation 5033847 (VCV005033847.1).
Genomic context (GRCh38, chr1:193,135,570, plus strand): 5'-ATTTATTTACTTCTCTTTCTTTTATAGTCAAACGAGCTGCAGATGAAGTTTTAGCAGAAG[CAAAG>C]AAACCACGAATTGAGGTAAAGAAACTGTATTTTAAACAATTTTATTTATATTGTTATTGA-3'